The following is an entry in ClinVar:

NM_144997.7(FLCN):c.1646T>C (p.Leu549Pro)

Gene: FLCN (folliculin; minus strand). Cytogenetic location: 17p11.2.
Variant type: single nucleotide variant.
Coding change: c.1646T>C on transcript NM_144997.7 (MANE Select); coding-DNA position 1646, T replaced by C.
Protein change: p.Leu549Pro; replaces leucine 549 with proline.
Molecular consequence: missense variant.
Genome position (GRCh38, 1-based): chr17:17,213,749, A>G on the plus strand (T>C on the coding strand, the complement: FLCN is on the minus strand). VCF-style: chr17-17213749-A-G. GRCh37 (hg19) VCF-style: chr17-17117063-A-G.
Other names: c.1700T>C, p.Leu567Pro (NM_001353229.2); c.1646T>C, p.Leu549Pro (NM_001353230.2, NM_001353231.2); short protein forms L549P, L567P.
Identifiers: ClinVar variation 4257907 (VCV004257907.1).

ClinVar aggregate classification (germline): Uncertain significance (1 of 4 stars; one submission).

Conditions:
Hereditary cancer-predisposing syndrome. Also called: Hereditary Cancer Syndrome; Hereditary neoplastic syndrome; Neoplastic Syndromes, Hereditary; Tumor predisposition. Identifiers: Orphanet 140162, MedGen C0027672, MeSH D009386, MONDO:0015356.

Submission:

Ambry Genetics
Classification: Uncertain significance for Hereditary cancer-predisposing syndrome. Last evaluated: 2025-08-29. Review status: criteria provided, single submitter. Criteria: Ambry Variant Classification Scheme 2023. Collection method: clinical testing. Allele origin: germline.
Comment: The p.L549P variant (also known as c.1646T>C), located in coding exon 11 of the FLCN gene, results from a T to C substitution at nucleotide position 1646. The leucine at codon 549 is replaced by proline, an amino acid with similar properties. This amino acid position is conserved. In addition, this alteration is predicted to be deleterious by in silico analysis. Based on the available evidence, the clinical significance of this variant remains unclear.